The following is an entry in ClinVar:

NM_001613.4(ACTA2):c.809-15G>C

Genes: ACTA2 (actin alpha 2, smooth muscle; minus strand), ACTA2-AS1 (ACTA2 antisense RNA 1; plus strand). Cytogenetic location: 10q23.31.
Variant type: single nucleotide variant.
Coding change: c.809-15G>C on transcript NM_001613.4 (MANE Select); 15 bases into the intron before coding-DNA position 809, G replaced by C.
Molecular consequence: intron variant. On other transcripts: non-coding transcript variant (1).
Genome position (GRCh38, 1-based): chr10:88,938,257, C>G on the plus strand (G>C on the coding strand, the complement: ACTA2 is on the minus strand). VCF-style: chr10-88938257-C-G. GRCh37 (hg19) VCF-style: chr10-90698014-C-G.
Other names: c.680-15G>C (NM_001406467.1, NM_001406468.1, NM_001406469.1); c.809-15G>C (NM_001320855.2, NM_001406462.1, NM_001141945.3 and 2 more transcripts); c.617-15G>C (NM_001406471.1); c.698-15G>C (NM_001406466.1).
Identifiers: ClinVar variation 1172288 (VCV001172288.4), dbSNP rs1452950850, ClinGen allele CA470729972.
Genomic context (GRCh38, chr10:88,938,257, plus strand): 5'-ATGATGCTGTTGTAGGTGGTTTCATGGATGCCAGCAGACTCCATCCCTGGAAAAGAGACA[C>G]AGGCCATGGTCCTTAAGTGGAGAGTAAAACCCAGGCTAGACATGGAAGACCAGACTTGAA-3'

ClinVar aggregate classification (germline): Uncertain significance (1 of 4 stars; one submission).

Conditions:
Familial thoracic aortic aneurysm and aortic dissection (TAAD). Also called: Thoracic aortic aneurysms and dissections. Identifiers: Orphanet 91387, MedGen C4707243, MONDO:0019625.

Allele frequency attached by ClinVar (database versions not stated): gnomAD exomes below 0.00001.
gnomAD v4.1: 1 of 1,613,908 alleles (0.000062%); highest among the groups gnomAD compares: South Asian, 0.0011%; no homozygotes.

Submission:

Color Diagnostics, LLC DBA Color Health
Classification: Uncertain significance for Familial thoracic aortic aneurysm and aortic dissection. Last evaluated: 2021-02-17. Review status: criteria provided, single submitter. Criteria: ACMG Guidelines, 2015. Collection method: clinical testing. Allele origin: germline.
Comment: This variant causes a G to C nucleotide substitution at the -15 position of intron 7 of the ACTA2 gene. Splice prediction tools and conservation analysis are inconclusive regarding the impact of this variant on RNA splicing. To our knowledge, functional studies have not been reported for this variant. This variant has not been reported in individuals affected with cardiovascular disorders in the literature. This variant has been identified in 1/250990 chromosomes in the general population by the Genome Aggregation Database (gnomAD). The available evidence is insufficient to determine the role of this variant in disease conclusively. Therefore, this variant is classified as a Variant of Uncertain Significance.